The following is an entry in ClinVar:

ClinVar aggregate classification (germline): Uncertain significance. Review status: criteria provided, multiple submitters, no conflicts (2 of 4 stars). 17 submissions from 17 submitters: Uncertain significance (14). 3 of the submissions do not count toward it. Last evaluated 2026-01-13.

Conditions:
MYBPC3-related disorder. Also called: MYBPC3-related disorders; MYBPC3-related condition; MYBPC3-related disease.
Cardiovascular phenotype. Identifiers: MedGen CN230736.
Left ventricular noncompaction. Identifiers: Orphanet 54260, MedGen C1960469, MONDO:0018901, HP:0030682.
Cardiomyopathy (CMYO). Also called: Cardiomyopathies. Identifiers: Orphanet 167848, MedGen C0878544, MONDO:0004994, HP:0001638. Inheritance: Various modes of inheritance.
Hypertrophic cardiomyopathy. Also called: HYPERTROPHIC MYOCARDIOPATHY. Identifiers: Orphanet 217569, MedGen C0007194, MeSH D002312, MONDO:0005045, HP:0001639.

Allele frequency attached by ClinVar (database versions not stated): gnomAD 0.00003; gnomAD exomes 0.00005 and 0.00009; TOPMed 0.00007; ExAC 0.00003.
gnomAD v4.1: 135 of 1,575,132 alleles (0.0086%); highest among the groups gnomAD compares: Middle Eastern, 0.05%; no homozygotes.

Submissions 1 to 7 of 17:

PreventionGenetics, part of Exact Sciences
Classification: Uncertain significance for MYBPC3-related condition. Last evaluated: 2026-01-13. Review status: criteria provided, single submitter. Criteria: ACMG Guidelines, 2015. Collection method: clinical testing. Allele origin: germline.
Comment: The MYBPC3 c.2909G>A variant is predicted to result in the amino acid substitution p.Arg970Gln. This variant has been reported in individuals undergoing sequencing for MYBPC3-related disorders including dilated cardiomyopathy (Lakdawala et al. 2012. PubMed ID: 22464770; Supplementary File 2, van Lint et al. 2019. PubMed ID: 30847666), hypertrophic cardiomyopathy (Table S1A, Walsh et al. 2016. PubMed ID: 27532257; Table S8, McGurk et al. 2023. PubMed ID: 37652022), and left ventricular noncompaction cardiomyopathy (Table S3, Takasaki et al. 2018. PubMed ID: 30188508; Table S5, Hirono et al. 2020. PubMed ID: 32600061); however, evidence to support pathogenicity was not provided. This variant is reported in 0.021% of alleles in individuals of Latino descent in gnomAD. This variant is classified as uncertain by several submitters in the ClinVar database (Variation ID: 177832). An alternate missense change at the same amino acid, c.2908C>T (p.Arg970Trp), has also been reported in individuals with MYBPC3-related disorders (see for example: Additional File 2, Hathaway et al. 2021. PubMed ID: 33673806; Table S2, Thompson et al. 2021. PubMed ID: 33782553). At this time, the clinical significance of the c.2909G>A (p.Arg970Gln) variant is uncertain due to the absence of conclusive functional and genetic evidence.

Labcorp Genetics (formerly Invitae), Labcorp
Classification: Uncertain significance for Hypertrophic cardiomyopathy. Last evaluated: 2025-11-17. Review status: criteria provided, single submitter. Criteria: Invitae Variant Classification Sherloc (09022015). Collection method: clinical testing. Allele origin: germline.
Comment: This sequence change replaces arginine, which is basic and polar, with glutamine, which is neutral and polar, at codon 970 of the MYBPC3 protein (p.Arg970Gln). This variant is present in population databases (rs727504346, gnomAD 0.02%). This missense change has been observed in individual(s) with clinical features of MYBPC3-related conditions (PMID: 22464770, 27532257, 28640247, 30188508, 30297972, 37652022). ClinVar contains an entry for this variant (Variation ID: 177832). An algorithm developed to predict the effect of missense changes on protein structure and function (PolyPhen-2) suggests that this variant is likely to be disruptive. In summary, the available evidence is currently insufficient to determine the role of this variant in disease. Therefore, it has been classified as a Variant of Uncertain Significance.

GeneDx
Classification: Uncertain significance. Last evaluated: 2025-07-24. Review status: criteria provided, single submitter. Criteria: GeneDx Variant Classification Process June 2021. Collection method: clinical testing. Allele origin: germline. Affected: yes.
Comment: Identified in several individuals with cardiomyopathy referred for genetic testing at GeneDx and in published literature (PMID: 22464770, 24503780, 27532257, 28640247, 30188508, 30847666, 32600061, 35653365, 37652022, 32841044); In silico analysis supports a deleterious effect on splicing; This variant is associated with the following publications: (PMID: 24503780, 22464770, 28640247, 30188508, 32600061, 33782553, 35653365, 30847666, 30297972, 34819141, 27532257, 32841044, 37652022)

Ambry Genetics
Classification: Uncertain significance for Cardiovascular phenotype. Last evaluated: 2024-12-27. Review status: criteria provided, single submitter. Criteria: Ambry Variant Classification Scheme 2023. Collection method: clinical testing. Allele origin: germline.
Comment: The p.R970Q variant (also known as c.2909G>A), located in coding exon 28 of the MYBPC3 gene, results from a G to A substitution at nucleotide position 2909. The arginine at codon 970 is replaced by glutamine, an amino acid with highly similar properties. This variant has been reported in individuals with dilated cardiomyopathy (DCM), hypertrophic cardiomyopathy (HCM), and left ventricular non-compaction (LVNC), but clinical details were limited (Lakdawala NK et al. J. Card. Fail., 2012 Apr;18:296-303; Pugh TJ et al. Genet. Med., 2014 Aug;16:601-8; Takasaki A et al. Pediatr Res, 2018 11;84:733-742; Ko C et al. Genet Med, 2018 01;20:69-75; van Lint FHM et al. Neth Heart J, 2019 Jun;27:304-309). This amino acid position is well conserved in available vertebrate species. In addition, the in silico prediction for this alteration is inconclusive. Based on the available evidence, the clinical significance of this variant remains unclear.

All of Us Research Program, National Institutes of Health
Classification: Uncertain significance for Hypertrophic cardiomyopathy. Last evaluated: 2024-09-23. Review status: criteria provided, single submitter. Criteria: ACMG Guidelines, 2015. Collection method: clinical testing. Allele origin: germline. Inheritance: Autosomal dominant inheritance. Observed: 25 variant alleles, 25 heterozygotes.
Comment: This missense variant replaces arginine with glutamine at codon 970 of the MYBPC3 protein. Computational prediction suggests that this variant may not impact protein structure and function (internally defined REVEL score threshold <= 0.5, PMID: 27666373). To our knowledge, functional studies have not been reported for this variant. This variant has been reported in at least two individuals affected with hypertrophic cardiomyopathy (PMID: 27532257, 28640247, 30297972, 32841044, 33782553), in an individual affected with dilated cardiomyopathy (PMID: 22464770, 24503780), and in an individual affected with left ventricular noncompaction cardiomyopathy (PMID: 30188508, 32600061). This variant has been identified in 11/216302 chromosomes in the general population by the Genome Aggregation Database (gnomAD). The available evidence is insufficient to determine the role of this variant in disease conclusively. Therefore, this variant is classified as a Variant of Uncertain Significance.

This study involves interpretation of variants in research participants for the purpose of population health screening. Participant phenotype was not available at the time of variant classification. Additional details can be found in publication PMID: 35346344, PMCID: PMC8962531

Blueprint Genetics
Classification: Uncertain significance. Last evaluated: 2024-09-13. Review status: criteria provided, single submitter. Criteria: ACMG Guidelines, 2015. Collection method: clinical testing. Allele origin: germline.

ARUP Laboratories, Molecular Genetics and Genomics, ARUP Laboratories
Classification: Uncertain significance. Last evaluated: 2024-04-10. Review status: criteria provided, single submitter. Criteria: ARUP Molecular Germline Variant Investigation Process 2024. Collection method: clinical testing. Allele origin: germline.
Comment: The MYBPC3 c.2909G>A; p.Arg970Gln variant (rs727504346) is reported in the literature in several individuals affected with hypertrophic cardiomyopathy, dilated cardiomyopathy, or left ventricular noncompaction, although it was not demonstrated to be disease-causing in these individuals (Helms 2020, Ko 2018, Lakdawala 2012, Takaski 2018, Walsh 2017). This variant is found in the general population with an allele frequency of 0.005% (11/216,302 alleles) in the Genome Aggregation Database (v2.1.1). Computational analyses are uncertain whether this variant is neutral or deleterious (REVEL: 0.151). Due to limited information, the clinical significance of this variant is uncertain at this time. References: Helms AS et al. Spatial and Functional Distribution of MYBPC3 Pathogenic Variants and Clinical Outcomes in Patients With Hypertrophic Cardiomyopathy. Circ Genom Precis Med. 2020 Oct;13(5):396-405. PMID: 32841044. Ko C et al. Genetic testing impacts the utility of prospective familial screening in hypertrophic cardiomyopathy through identification of a nonfamilial subgroup. Genet Med. 2018 Jan;20(1):69-75. PMID: 28640247. Lakdawala NK et al. Genetic testing for dilated cardiomyopathy in clinical practice. J Card Fail. 2012 Apr;18(4):296-303. PMID: 22464770. Takasaki A et al. Sarcomere gene variants act as a genetic trigger underlying the development of left ventricular noncompaction. Pediatr Res. 2018 Nov;84(5):733-742. PMID: 30188508. Walsh R et al. Reassessment of Mendelian gene pathogenicity using 7,855 cardiomyopathy cases and 60,706 reference samples. Genet Med. 2017 Feb;19(2):192-203. PMID: 27532257.

NM_000256.3(MYBPC3):c.2909G>A (p.Arg970Gln)

Gene: MYBPC3 (myosin binding protein C3; minus strand). Cytogenetic location: 11p11.2.
Variant type: single nucleotide variant.
Coding change: c.2909G>A on transcript NM_000256.3 (MANE Select); coding-DNA position 2909, G replaced by A.
Protein change: p.Arg970Gln; replaces arginine 970 with glutamine.
Molecular consequence: missense variant.
Genome position (GRCh38, 1-based): chr11:47,334,007, C>T on the plus strand (G>A on the coding strand, the complement: MYBPC3 is on the minus strand). VCF-style: chr11-47334007-C-T. GRCh37 (hg19) VCF-style: chr11-47355558-C-T.
Other names: short protein forms R970Q.
Identifiers: ClinVar variation 177832 (VCV000177832.45), dbSNP rs727504346, ClinGen allele CA013173.
Genomic context (GRCh38, chr11:47,334,007, plus strand): 5'-GGCTCCCCGACCTTCTTCTGAATGGTCTGGCGCAGGTGCCTGGGCAGCTGAAGCCGTGGC[C>T]GTTCTGTGGGTATAGAGTGGGTAGCTAAGTGAGGGCCCGCCACAGCTCTGAGGGGCTCCA-3'
Protein context (NP_000247.2, residues 960-980): EPVTVQEILQ[Arg970Gln]PRLQLPRHLR